The following is an entry in ClinVar:

NM_006440.5(TXNRD2):c.662C>T (p.Thr221Met)

Gene: TXNRD2 (thioredoxin reductase 2; minus strand). Cytogenetic location: 22q11.21.
Variant type: single nucleotide variant.
Coding change: c.662C>T on transcript NM_006440.5 (MANE Select); coding-DNA position 662, C replaced by T.
Protein change: p.Thr221Met; replaces threonine 221 with methionine.
Molecular consequence: missense variant. On other transcripts: non-coding transcript variant (1).
Genome position (GRCh38, 1-based): chr22:19,911,377, G>A on the plus strand (C>T on the coding strand, the complement: TXNRD2 is on the minus strand). VCF-style: chr22-19911377-G-A. GRCh37 (hg19) VCF-style: chr22-19898900-G-A.
Other names: c.662C>T, p.Thr221Met (NM_001282512.3); c.659C>T, p.Thr220Met (NM_001352300.2); c.572C>T, p.Thr191Met (NM_001352301.2); c.374C>T, p.Thr125Met (NM_001352302.2); c.566C>T, p.Thr189Met (NM_001352303.2); short protein forms T189M, T125M, T220M, T221M, T191M.
Identifiers: ClinVar variation 1045548 (VCV001045548.13), dbSNP rs188258380, ClinGen allele CA10104077.

ClinVar aggregate classification (germline): Uncertain significance. Review status: criteria provided, multiple submitters, no conflicts (2 of 4 stars). 3 submissions from 3 submitters: Uncertain significance (3). Last evaluated 2026-01-28.

Conditions:
Primary dilated cardiomyopathy (DCM). Also called: Dilated Cardiomyopathy. Identifiers: Orphanet 217604, MedGen C0007193, MeSH D002311, MONDO:0005021, HP:0001644. Inheritance: Various modes of inheritance.
Cardiovascular phenotype. Identifiers: MedGen CN230736.

Allele frequency attached by ClinVar (database versions not stated): TOPMed 0.00017; gnomAD 0.00018 and 0.00019; 1000 Genomes Project 0.00020; gnomAD exomes 0.00002 and 0.00005; ExAC 0.00006; 1000 Genomes Project 30x 0.00016.
gnomAD v4.1: 65 of 1,613,536 alleles (0.004%); highest among the groups gnomAD compares: African/African-American, 0.053%; no homozygotes.

Submissions (3):

Labcorp Genetics (formerly Invitae), Labcorp
Classification: Uncertain significance for Primary dilated cardiomyopathy. Last evaluated: 2026-01-28. Review status: criteria provided, single submitter. Criteria: Invitae Variant Classification Sherloc (09022015). Collection method: clinical testing. Allele origin: germline.
Comment: This sequence change replaces threonine, which is neutral and polar, with methionine, which is neutral and non-polar, at codon 221 of the TXNRD2 protein (p.Thr221Met). This variant is present in population databases (rs188258380, gnomAD 0.05%). This variant has not been reported in the literature in individuals affected with TXNRD2-related conditions. ClinVar contains an entry for this variant (Variation ID: 1045548). An algorithm developed to predict the effect of missense changes on protein structure and function (PolyPhen-2) suggests that this variant is likely to be disruptive. In summary, the available evidence is currently insufficient to determine the role of this variant in disease. Therefore, it has been classified as a Variant of Uncertain Significance.

Ambry Genetics
Classification: Uncertain significance for Cardiovascular phenotype. Last evaluated: 2025-11-25. Review status: criteria provided, single submitter. Criteria: Ambry Variant Classification Scheme 2023. Collection method: clinical testing. Allele origin: germline.
Comment: The p.T221M variant (also known as c.662C>T), located in coding exon 8 of the TXNRD2 gene, results from a C to T substitution at nucleotide position 662. The threonine at codon 221 is replaced by methionine, an amino acid with similar properties. This amino acid position is highly conserved in available vertebrate species. In addition, this alteration is predicted to be deleterious by in silico analysis. Since supporting evidence is limited at this time, the clinical significance of this alteration remains unclear.

GeneDx
Classification: Uncertain significance. Last evaluated: 2020-01-15. Review status: criteria provided, single submitter. Criteria: GeneDx Variant Classification Process June 2021. Collection method: clinical testing. Allele origin: germline. Affected: yes.
Comment: Has not been previously published as pathogenic or benign to our knowledge; In silico analysis, which includes protein predictors and evolutionary conservation, supports a deleterious effect